The following is an entry in ClinVar:

NM_001184.4(ATR):c.5069C>A (p.Ala1690Asp)

Gene: ATR (ATR checkpoint kinase; minus strand). Cytogenetic location: 3q23.
Variant type: single nucleotide variant.
Coding change: c.5069C>A on transcript NM_001184.4 (MANE Select); coding-DNA position 5069, C replaced by A.
Protein change: p.Ala1690Asp; replaces alanine 1690 with aspartic acid.
Molecular consequence: missense variant.
Genome position (GRCh38, 1-based): chr3:142,505,266, G>T on the plus strand (C>A on the coding strand, the complement: ATR is on the minus strand). VCF-style: chr3-142505266-G-T. GRCh37 (hg19) VCF-style: chr3-142224108-G-T.
Other names: c.4877C>A, p.Ala1626Asp (NM_001354579.2); short protein forms A1626D, A1690D.
Identifiers: ClinVar variation 4885418 (VCV004885418.2).

ClinVar aggregate classification (germline): Uncertain significance (1 of 4 stars; one submission).

gnomAD v4.1: 2 of 1,613,960 alleles (0.00012%); highest among the groups gnomAD compares: Non-Finnish European, 0.00017%; no homozygotes.

Submission:

Dasa
Classification: Uncertain significance. Last evaluated: 2026-03-27. Review status: criteria provided, single submitter. Criteria: DASA Assertion Criteria. Collection method: clinical testing. Allele origin: germline.
Comment: NM_001184.4(ATR):c.5069C>A (p.Ala1690Asp) is a missense variant that results in the substitution of alanine with aspartic acid. This variant is rare in population databases. The currently available literature and clinical evidence are not sufficient to establish a definitive association between this variant and the reported condition. Therefore, this variant is classified as a variant of uncertain significance.